The following is an entry in ClinVar:

ClinVar aggregate classification (germline): Uncertain significance (1 of 4 stars; one submission).

Conditions:
Leigh syndrome (NULS). Also called: Leigh's necrotizing encephalopathy; Leigh's disease; Leigh's syndrome; LEIGH SYNDROME, NUCLEAR; Leigh Syndrome (mtDNA deletion); Leigh Disease. Identifiers: Orphanet 506, MedGen C2931891, MONDO:0009723, OMIM 256000.

Submission:

Wong Mito Lab, Molecular and Human Genetics, Baylor College of Medicine
Classification: Uncertain significance for Leigh syndrome. Last evaluated: 2019-10-17. Review status: criteria provided, single submitter. Criteria: Modified ACMG Guidelines (Unpublished). Collection method: clinical testing. Allele origin: germline.
Comment: The NC_012920.1:m.15653A>T (YP_003024038.1:p.Met303Leu) variant in MTCYB gene is interpretated to be a Uncertain Significance variant based on the modified ACMG guidelines (unpublished). This variant meets the following evidence codes: BP4

NC_012920.1(MT-CYB):m.15653A>T

Gene: MT-CYB (mitochondrially encoded cytochrome b; plus strand).
Variant type: single nucleotide variant.
Genome position: chrM-15653-A-T.
Identifiers: ClinVar variation 693924 (VCV000693924.1), dbSNP rs878890251, ClinGen allele CA913174466.